The following is an entry in ClinVar:

ClinVar aggregate classification (germline): Uncertain significance (1 of 4 stars; one submission).

Submission:

GeneDx
Classification: Uncertain significance. Last evaluated: 2025-03-19. Review status: criteria provided, single submitter. Criteria: GeneDx Variant Classification Process June 2021. Collection method: clinical testing. Allele origin: germline. Affected: yes.
Comment: Not observed at significant frequency in large population cohorts (gnomAD); In silico analysis supports that this missense variant has a deleterious effect on protein structure/function; Has not been previously published as pathogenic or benign to our knowledge

NM_031407.7(HUWE1):c.12964A>C (p.Lys4322Gln)

Gene: HUWE1 (HECT, UBA and WWE domain containing E3 ubiquitin protein ligase 1; minus strand). Cytogenetic location: Xp11.22.
Variant type: single nucleotide variant.
Coding change: c.12964A>C on transcript NM_031407.7 (MANE Select); coding-DNA position 12964, A replaced by C.
Protein change: p.Lys4322Gln; replaces lysine 4322 with glutamine.
Molecular consequence: missense variant.
Genome position (GRCh38, 1-based): chrX:53,534,065, T>G on the plus strand (A>C on the coding strand, the complement: HUWE1 is on the minus strand). VCF-style: chrX-53534065-T-G. GRCh37 (hg19) VCF-style: chrX-53561026-T-G.
Other names: c.12916A>C, p.Lys4306Gln (NM_001441048.1, NM_001441053.1, NM_001441058.1); c.12919A>C, p.Lys4307Gln (NM_001441049.1, NM_001441054.1); c.12940A>C, p.Lys4314Gln (NM_001441050.1, NM_001441055.1); c.12961A>C, p.Lys4321Gln (NM_001441051.1, NM_001441056.1); c.12562A>C, p.Lys4188Gln (NM_001441052.1); c.12964A>C, p.Lys4322Gln (NM_001441057.1); short protein forms K4188Q, K4306Q, K4307Q, K4314Q, K4321Q, K4322Q.
Identifiers: ClinVar variation 4086280 (VCV004086280.1).